The following is an entry in ClinVar:

NM_001261826.3(AP3D1):c.887A>G (p.Asn296Ser)

Gene: AP3D1 (adaptor related protein complex 3 subunit delta 1; minus strand). Cytogenetic location: 19p13.3.
Variant type: single nucleotide variant.
Coding change: c.887A>G on transcript NM_001261826.3 (MANE Select); coding-DNA position 887, A replaced by G.
Protein change: p.Asn296Ser; replaces asparagine 296 with serine.
Molecular consequence: missense variant.
Genome position (GRCh38, 1-based): chr19:2,123,849, T>C on the plus strand (A>G on the coding strand, the complement: AP3D1 is on the minus strand). VCF-style: chr19-2123849-T-C. GRCh37 (hg19) VCF-style: chr19-2123848-T-C.
Other names: c.887A>G, p.Asn296Ser (NM_001374799.1, NM_003938.8); short protein forms N296S.
Identifiers: ClinVar variation 2909822 (VCV002909822.3), dbSNP rs1194774329, ClinGen allele CA403225576.

ClinVar aggregate classification (germline): Uncertain significance (1 of 4 stars; one submission).

Allele frequency attached by ClinVar (database versions not stated): gnomAD exomes below 0.00001; gnomAD 0.00001; TOPMed 0.00001.
gnomAD v4.1: 5 of 1,577,796 alleles (0.00032%); highest among the groups gnomAD compares: Non-Finnish European, 0.00043%; no homozygotes.

Submission:

Labcorp Genetics (formerly Invitae), Labcorp
Classification: Uncertain significance. Last evaluated: 2023-10-13. Review status: criteria provided, single submitter. Criteria: Invitae Variant Classification Sherloc (09022015). Collection method: clinical testing. Allele origin: germline.
Comment: This sequence change replaces asparagine, which is neutral and polar, with serine, which is neutral and polar, at codon 296 of the AP3D1 protein (p.Asn296Ser). This variant is not present in population databases (gnomAD no frequency). This variant has not been reported in the literature in individuals affected with AP3D1-related conditions. An algorithm developed to predict the effect of missense changes on protein structure and function (PolyPhen-2) suggests that this variant is likely to be tolerated. In summary, the available evidence is currently insufficient to determine the role of this variant in disease. Therefore, it has been classified as a Variant of Uncertain Significance.